The following is an entry in ClinVar:

ClinVar aggregate classification (germline): Likely benign (1 of 4 stars; one submission).

gnomAD v4.1: 10 of 1,200,390 alleles (0.00083%); highest among the groups gnomAD compares: Non-Finnish European, 0.0011%; no homozygotes.

Submission:

CeGaT Center for Human Genetics Tuebingen
Classification: Likely benign. Last evaluated: 2026-01-01. Review status: criteria provided, single submitter. Criteria: CeGaT Center For Human Genetics Tuebingen Variant Classification Criteria Version 2. Collection method: clinical testing. Allele origin: germline. Affected: yes. Observed: 1 variant allele.
Comment: DLG3: BP4, BP7

NM_021120.4(DLG3):c.1145+634C>A

Gene: DLG3 (discs large MAGUK scaffold protein 3; plus strand). Cytogenetic location: Xq13.1.
Variant type: single nucleotide variant.
Coding change: c.1145+634C>A on transcript NM_021120.4 (MANE Select); 634 bases into the intron after coding-DNA position 1145, C replaced by A.
Molecular consequence: intron variant. On other transcripts: synonymous variant (1).
Genome position (GRCh38, 1-based): chrX:70,452,660, C>A. VCF-style: chrX-70452660-C-A. GRCh37 (hg19) VCF-style: chrX-69672510-C-A.
Other names: c.39C>A, p.Ala13= (NM_020730.3).
Identifiers: ClinVar variation 4822388 (VCV004822388.4).